The following is an entry in ClinVar:

ClinVar aggregate classification (germline): Pathogenic. Review status: criteria provided, multiple submitters, no conflicts (2 of 4 stars). 4 submissions from 4 submitters: Pathogenic (4). Last evaluated 2026-01-24.

Conditions:
Diamond-Blackfan anemia. Also called: Blackfan Diamond syndrome; Aregenerative anemia chronic congenital; Red cell aplasia, pure hereditary; Congenital hypoplastic anemia; Aase syndrome. Identifiers: Orphanet 124, MedGen C1260899, MeSH D029503, MONDO:0015253, HP:0004810.
Diamond-Blackfan anemia 7 (DBA7). Also called: RPL11-Related Diamond-Blackfan Anemia. Identifiers: Orphanet 124, MedGen C2675512, MONDO:0012938, OMIM 612562.

Submissions (4):

Labcorp Genetics (formerly Invitae), Labcorp
Classification: Pathogenic for Diamond-Blackfan anemia. Last evaluated: 2026-01-24. Review status: criteria provided, single submitter. Criteria: Invitae Variant Classification Sherloc (09022015). Collection method: clinical testing. Allele origin: germline.
Comment: This sequence change affects a donor splice site in intron 1 of the RPL11 gene. It is expected to disrupt RNA splicing. Variants that disrupt the donor or acceptor splice site typically lead to a loss of protein function (PMID: 16199547), and loss-of-function variants in RPL11 are known to be pathogenic (PMID: 19061985, 19773262). This variant is not present in population databases (gnomAD no frequency). Disruption of this splice site has been observed in individual(s) with Diamond-Blackfan anemia (PMID: 19061985, 34110484). This variant is also known as IVS1+2T>C. ClinVar contains an entry for this variant (Variation ID: 1751021). Studies have shown that disruption of this splice site alters mRNA splicing and is expected to lead to the loss of protein expression (PMID: 31131953). For these reasons, this variant has been classified as Pathogenic.

GeneDx
Classification: Pathogenic. Last evaluated: 2025-02-13. Review status: criteria provided, single submitter. Criteria: GeneDx Variant Classification Process June 2021. Collection method: clinical testing. Allele origin: germline. Affected: yes.
Comment: RNA studies demonstrate a damaging effect (PMID: 31131953); Not observed at significant frequency in large population cohorts (gnomAD); In silico analysis supports a deleterious effect on splicing; This variant is associated with the following publications: (PMID: 34110484, 19061985, 30503522, 31131953)

Revvity Omics, Revvity
Classification: Pathogenic for Diamond-Blackfan anemia 7. Last evaluated: 2024-01-23. Review status: criteria provided, single submitter. Criteria: ACMG Guidelines, 2015. Collection method: clinical testing. Allele origin: germline.

Ambry Genetics
Classification: Pathogenic for Diamond-Blackfan anemia. Last evaluated: 2014-12-26. Review status: criteria provided, single submitter. Criteria: Ambry Variant Classification Scheme 2023. Collection method: clinical testing. Allele origin: germline.
Comment: The c.6+2T>C intronic variant results from a T to C substitution two nucleotides after coding exon 1 of the RPL11 gene. In addition to the clinical data presented in the literature, alterations that disrupt the canonical splice donor site are typically deleterious in nature (ACMG Recommendations for Standards for Interpretation and Reporting of Sequence Variations. Revision 2007. Genet Med. 2008;10:294).

Literature cited by the submitters: PubMed 16199547 (cited by Labcorp Genetics (formerly Invitae), Labcorp); PubMed 19061985 (cited by Labcorp Genetics (formerly Invitae), Labcorp); PubMed 19773262 (cited by Labcorp Genetics (formerly Invitae), Labcorp); PubMed 34110484 (cited by Labcorp Genetics (formerly Invitae), Labcorp); PubMed 31131953 (cited by Labcorp Genetics (formerly Invitae), Labcorp).

NM_000975.5(RPL11):c.6+2T>C

Genes: RPL11 (ribosomal protein L11; plus strand), LOC129929673 (ATAC-STARR-seq lymphoblastoid active region 374; plus strand). Cytogenetic location: 1p36.11.
Variant type: single nucleotide variant.
Coding change: c.6+2T>C on transcript NM_000975.5 (MANE Select); the canonical splice donor site of the intron after coding-DNA position 6, T replaced by C.
Molecular consequence: splice donor variant.
Genome position (GRCh38, 1-based): chr1:23,691,831, T>C. VCF-style: chr1-23691831-T-C. GRCh37 (hg19) VCF-style: chr1-24018321-T-C.
Other names: c.6+2T>C (NM_001199802.1).
Identifiers: ClinVar variation 1751021 (VCV001751021.5), dbSNP rs2523391493, ClinGen allele CA338991105.